The following is an entry in ClinVar:

ClinVar aggregate classification (germline): Pathogenic. Review status: criteria provided, multiple submitters, no conflicts (2 of 4 stars). 3 submissions from 3 submitters: Pathogenic (3). Last evaluated 2023-05-05.

Conditions:
Familial adenomatous polyposis 1 (FAP1). Also called: FAMILIAL ADENOMATOUS POLYPOSIS 1, ATTENUATED; POLYPOSIS, ADENOMATOUS INTESTINAL. Identifiers: MedGen C2713442, MONDO:0021056, OMIM 175100. Disease mechanism: loss of function.
Hereditary cancer-predisposing syndrome. Also called: Tumor predisposition; Hereditary Cancer Syndrome; Neoplastic Syndromes, Hereditary; Hereditary neoplastic syndrome. Identifiers: Orphanet 140162, MedGen C0027672, MeSH D009386, MONDO:0015356.

Submissions (3):

Myriad Genetics, Inc.
Classification: Pathogenic for Familial adenomatous polyposis 1. Last evaluated: 2023-05-05. Review status: criteria provided, single submitter. Criteria: Myriad Autosomal Dominant, Autosomal Recessive and X-Linked Classification Criteria (2023). Collection method: clinical testing. Allele origin: unknown.
Comment: This variant is considered pathogenic. This variant creates a termination codon and is predicted to result in premature protein truncation.

Labcorp Genetics (formerly Invitae), Labcorp
Classification: Pathogenic for Familial adenomatous polyposis 1. Last evaluated: 2022-01-01. Review status: criteria provided, single submitter. Criteria: Invitae Variant Classification Sherloc (09022015). Collection method: clinical testing. Allele origin: germline.
Comment: For these reasons, this variant has been classified as Pathogenic. A different truncation (p.Tyr2645Lysfs*14) that lies downstream of this variant has been determined to be pathogenic (PMID: 9824584, 1316610, 27081525, 8381579, 22135120, Invitae). This suggests that deletion of this region of the APC protein is causative of disease. This variant is expected to disrupt the EB1 and HDLG binding sites, which mediate interactions with the cytoskeleton (PMID: 15311282, 17293347). While functional studies have not been performed to directly test the effect on APC protein function, this suggests that disruption of the C-terminal portion of the protein is functionally important. ClinVar contains an entry for this variant (Variation ID: 822551). This premature translational stop signal has been observed in individual(s) with familial adenomatous polyposis (PMID: 10094547). This variant is not present in population databases (gnomAD no frequency). This sequence change creates a premature translational stop signal (p.Tyr1000*) in the APC gene. While this is not anticipated to result in nonsense mediated decay, it is expected to disrupt the last 1844 amino acid(s) of the APC protein.

Ambry Genetics
Classification: Pathogenic for Hereditary cancer-predisposing syndrome. Last evaluated: 2018-06-14. Review status: criteria provided, single submitter. Criteria: Ambry Variant Classification Scheme 2023. Collection method: clinical testing. Allele origin: germline.
Comment: The p.Y1000* pathogenic mutation (also known as c.3000C>A), located in coding exon 15 of the APC gene, results from a C to A substitution at nucleotide position 3000. This changes the amino acid from a tyrosine to a stop codon within coding exon 15. This mutation has been reported in 1 of 66 Italian familial adenomatous polyposis (FAP) patients (Giarola M et al. Hum. Mutat., 1999;13:116-23). In addition to the clinical data presented in the literature, this alteration is expected to result in loss of function by premature protein truncation. As such, this alteration is interpreted as a disease-causing mutation.

Literature cited by the submitters: PubMed 9824584 (cited by Labcorp Genetics (formerly Invitae), Labcorp); PubMed 1316610 (cited by Labcorp Genetics (formerly Invitae), Labcorp); PubMed 27081525 (cited by Labcorp Genetics (formerly Invitae), Labcorp); PubMed 8381579 (cited by Labcorp Genetics (formerly Invitae), Labcorp); PubMed 22135120 (cited by Labcorp Genetics (formerly Invitae), Labcorp); PubMed 15311282 (cited by Labcorp Genetics (formerly Invitae), Labcorp); PubMed 17293347 (cited by Labcorp Genetics (formerly Invitae), Labcorp); PubMed 10094547 (cited by Labcorp Genetics (formerly Invitae), Labcorp and Ambry Genetics).

NM_000038.6(APC):c.3000C>A (p.Tyr1000Ter)

Gene: APC (APC regulator of Wnt signaling pathway; plus strand). Cytogenetic location: 5q22.2.
Variant type: single nucleotide variant.
Coding change: c.3000C>A on transcript NM_000038.6 (MANE Select); coding-DNA position 3000, C replaced by A.
Protein change: p.Tyr1000Ter; replaces tyrosine 1000 with a stop codon.
Molecular consequence: nonsense.
Genome position (GRCh38, 1-based): chr5:112,838,594, C>A. VCF-style: chr5-112838594-C-A. GRCh37 (hg19) VCF-style: chr5-112174291-C-A.
Other names: c.2823C>A, p.Tyr941Ter (NM_001354901.2); c.2877C>A, p.Tyr959Ter (NM_001354900.2); c.2727C>A, p.Tyr909Ter (NM_001354902.2); c.2520C>A, p.Tyr840Ter (NM_001354905.2); c.2151C>A, p.Tyr717Ter (NM_001354906.2); c.2622C>A, p.Tyr874Ter (NM_001354904.2); c.2697C>A, p.Tyr899Ter (NM_001354903.2); c.3000C>A, p.Tyr1000Ter (NM_001127510.3, NM_001354895.2); and 5 more; short protein forms Y1010*, Y959*, Y840*, Y874*, Y975*, Y1000*, Y1018*, Y717*.
Identifiers: ClinVar variation 822551 (VCV000822551.10), dbSNP rs1580629755, ClinGen allele CA16027896.